The following is an entry in ClinVar:

ClinVar aggregate classification (germline): Uncertain significance (1 of 4 stars; one submission).

Allele frequency attached by ClinVar (database versions not stated): gnomAD exomes below 0.00001; gnomAD 0.00001; TOPMed 0.00001.
gnomAD v4.1: 2 of 1,612,192 alleles (0.00012%); highest among the groups gnomAD compares: Admixed American, 0.0017%; no homozygotes.

Submission:

Labcorp Genetics (formerly Invitae), Labcorp
Classification: Uncertain significance. Last evaluated: 2024-12-02. Review status: criteria provided, single submitter. Criteria: Invitae Variant Classification Sherloc (09022015). Collection method: clinical testing. Allele origin: germline.
Comment: This sequence change replaces alanine, which is neutral and non-polar, with threonine, which is neutral and polar, at codon 242 of the MRPL3 protein (p.Ala242Thr). This variant is present in population databases (no rsID available, gnomAD 0.003%). This variant has not been reported in the literature in individuals affected with MRPL3-related conditions. ClinVar contains an entry for this variant (Variation ID: 1942948). Invitae Evidence Modeling of protein sequence and biophysical properties (such as structural, functional, and spatial information, amino acid conservation, physicochemical variation, residue mobility, and thermodynamic stability) indicates that this missense variant is not expected to disrupt MRPL3 protein function with a negative predictive value of 80%. In summary, the available evidence is currently insufficient to determine the role of this variant in disease. Therefore, it has been classified as a Variant of Uncertain Significance.

NM_007208.4(MRPL3):c.724G>A (p.Ala242Thr)

Gene: MRPL3 (mitochondrial ribosomal protein L3; minus strand). Cytogenetic location: 3q22.1.
Variant type: single nucleotide variant.
Coding change: c.724G>A on transcript NM_007208.4 (MANE Select); coding-DNA position 724, G replaced by A.
Protein change: p.Ala242Thr; replaces alanine 242 with threonine.
Molecular consequence: missense variant.
Genome position (GRCh38, 1-based): chr3:131,471,185, C>T on the plus strand (G>A on the coding strand, the complement: MRPL3 is on the minus strand). VCF-style: chr3-131471185-C-T. GRCh37 (hg19) VCF-style: chr3-131190029-C-T.
Other names: short protein forms A242T.
Identifiers: ClinVar variation 1942948 (VCV001942948.5), dbSNP rs983108162, ClinGen allele CA83510769.